The following is an entry in ClinVar:

NM_016239.4(MYO15A):c.7474-8C>A

Gene: MYO15A (myosin XVA; plus strand). Cytogenetic location: 17p11.2.
Variant type: single nucleotide variant.
Coding change: c.7474-8C>A on transcript NM_016239.4 (MANE Select); 8 bases into the intron before coding-DNA position 7474, C replaced by A.
Molecular consequence: intron variant.
Genome position (GRCh38, 1-based): chr17:18,151,102, C>A. VCF-style: chr17-18151102-C-A. GRCh37 (hg19) VCF-style: chr17-18054416-C-A.
Other names: c.7474-8C>A (NM_016239.3).
Identifiers: ClinVar variation 2908827 (VCV002908827.4), dbSNP rs749629059, ClinGen allele CA8424861.

ClinVar aggregate classification (germline): Likely benign. Review status: criteria provided, single submitter (1 of 4 stars). 2 submissions from 2 submitters: Likely benign (1). 1 of the submissions does not count toward it. Last evaluated 2024-03-01.

Conditions:
MYO15A-related disorder. Also called: MYO15A-related condition.

Allele frequency attached by ClinVar (database versions not stated): gnomAD exomes below 0.00001; TOPMed 0.00002.
gnomAD v4.1: 9 of 1,613,870 alleles (0.00056%); highest among the groups gnomAD compares: African/African-American, 0.0013%; no homozygotes.

Submissions (2):

Labcorp Genetics (formerly Invitae), Labcorp
Classification: Likely benign. Last evaluated: 2024-03-01. Review status: criteria provided, single submitter. Criteria: Invitae Variant Classification Sherloc (09022015). Collection method: clinical testing. Allele origin: germline.

PreventionGenetics, part of Exact Sciences
Classification: Likely benign for MYO15A-related condition. Last evaluated: 2024-05-01. Review status: no assertion criteria provided. Collection method: clinical testing. Allele origin: germline. Not counted in ClinVar's aggregate classification.
Comment: This variant is classified as likely benign based on ACMG/AMP sequence variant interpretation guidelines (Richards et al. 2015 PMID: 25741868, with internal and published modifications).